The following is an entry in ClinVar:

NM_024854.5(PYROXD1):c.1396G>A (p.Asp466Asn)

Gene: PYROXD1 (pyridine nucleotide-disulphide oxidoreductase domain 1; plus strand). Cytogenetic location: 12p12.1.
Variant type: single nucleotide variant.
Coding change: c.1396G>A on transcript NM_024854.5 (MANE Select); coding-DNA position 1396, G replaced by A.
Protein change: p.Asp466Asn; replaces aspartic acid 466 with asparagine.
Molecular consequence: missense variant.
Genome position (GRCh38, 1-based): chr12:21,468,647, G>A. VCF-style: chr12-21468647-G-A. GRCh37 (hg19) VCF-style: chr12-21621581-G-A.
Other names: c.1396G>A (NM_024854.3); c.1183G>A, p.Asp395Asn (NM_001350912.2); c.619G>A, p.Asp207Asn (NM_001350913.2); short protein forms D207N, D395N, D466N.
Identifiers: ClinVar variation 1522876 (VCV001522876.8), dbSNP rs368078721, ClinGen allele CA6478548.

ClinVar aggregate classification (germline): Uncertain significance. Review status: criteria provided, multiple submitters, no conflicts (2 of 4 stars). 2 submissions from 2 submitters: Uncertain significance (2). Last evaluated 2025-06-20.

Conditions:
Inborn genetic diseases. Identifiers: MedGen C0950123, MeSH D030342.

Allele frequency attached by ClinVar (database versions not stated): gnomAD exomes 0.00001 and 0.00002; ExAC 0.00003; gnomAD 0.00005; TOPMed 0.00006; ESP Exome Variant Server 0.00008.
gnomAD v4.1: 23 of 1,612,694 alleles (0.0014%); highest among the groups gnomAD compares: African/African-American, 0.024%; no homozygotes.

Submissions (2):

Labcorp Genetics (formerly Invitae), Labcorp
Classification: Uncertain significance. Last evaluated: 2025-06-20. Review status: criteria provided, single submitter. Criteria: Invitae Variant Classification Sherloc (09022015). Collection method: clinical testing. Allele origin: germline.
Comment: This sequence change replaces aspartic acid, which is acidic and polar, with asparagine, which is neutral and polar, at codon 466 of the PYROXD1 protein (p.Asp466Asn). This variant is present in population databases (rs368078721, gnomAD 0.02%). This variant has not been reported in the literature in individuals affected with PYROXD1-related conditions. ClinVar contains an entry for this variant (Variation ID: 1522876). Invitae Evidence Modeling of protein sequence and biophysical properties (such as structural, functional, and spatial information, amino acid conservation, physicochemical variation, residue mobility, and thermodynamic stability) indicates that this missense variant is not expected to disrupt PYROXD1 protein function with a negative predictive value of 80%. In summary, the available evidence is currently insufficient to determine the role of this variant in disease. Therefore, it has been classified as a Variant of Uncertain Significance.

Ambry Genetics
Classification: Uncertain significance for Inborn genetic diseases. Last evaluated: 2021-09-01. Review status: criteria provided, single submitter. Criteria: Ambry Variant Classification Scheme 2023. Collection method: clinical testing. Allele origin: germline.